The following is an entry in ClinVar:

NM_001128148.3(TFRC):c.1459G>T (p.Ala487Ser)

Gene: TFRC (transferrin receptor; minus strand). Cytogenetic location: 3q29.
Variant type: single nucleotide variant.
Coding change: c.1459G>T on transcript NM_001128148.3 (MANE Select); coding-DNA position 1459, G replaced by T.
Protein change: p.Ala487Ser; replaces alanine 487 with serine.
Molecular consequence: missense variant.
Genome position (GRCh38, 1-based): chr3:196,062,591, C>A on the plus strand (G>T on the coding strand, the complement: TFRC is on the minus strand). VCF-style: chr3-196062591-C-A. GRCh37 (hg19) VCF-style: chr3-195789462-C-A.
Other names: c.1459G>T, p.Ala487Ser (NM_003234.4); c.1216G>T, p.Ala406Ser (NM_001313965.2); c.613G>T, p.Ala205Ser (NM_001313966.2); short protein forms A406S, A205S, A487S.
Identifiers: ClinVar variation 3722775 (VCV003722775.2).

ClinVar aggregate classification (germline): Uncertain significance (1 of 4 stars; one submission).

Submission:

Labcorp Genetics (formerly Invitae), Labcorp
Classification: Uncertain significance. Last evaluated: 2025-01-29. Review status: criteria provided, single submitter. Criteria: Invitae Variant Classification Sherloc (09022015). Collection method: clinical testing. Allele origin: germline.
Comment: This sequence change replaces alanine, which is neutral and non-polar, with serine, which is neutral and polar, at codon 487 of the TFRC protein (p.Ala487Ser). This variant is not present in population databases (gnomAD no frequency). This variant has not been reported in the literature in individuals affected with TFRC-related conditions. Invitae Evidence Modeling of protein sequence and biophysical properties (such as structural, functional, and spatial information, amino acid conservation, physicochemical variation, residue mobility, and thermodynamic stability) indicates that this missense variant is not expected to disrupt TFRC protein function with a negative predictive value of 80%. In summary, the available evidence is currently insufficient to determine the role of this variant in disease. Therefore, it has been classified as a Variant of Uncertain Significance.